The following is an entry in ClinVar:

ClinVar aggregate classification (germline): Conflicting classifications of pathogenicity. Review status: criteria provided, conflicting classifications (1 of 4 stars). 3 submissions from 3 submitters: Uncertain significance (1); Benign (1). 1 of the submissions does not count toward it. Last evaluated 2025-06-23.

Conditions:
RAI1-related disorder. Also called: RAI1-related condition.

gnomAD v4.1: 3 of 1,613,508 alleles (0.00019%); highest among the groups gnomAD compares: Admixed American, 0.0017%; no homozygotes.

Submissions (3):

Labcorp Genetics (formerly Invitae), Labcorp
Classification: Benign. Last evaluated: 2025-06-23. Review status: criteria provided, single submitter. Criteria: Invitae Variant Classification Sherloc (09022015). Collection method: clinical testing. Allele origin: germline.

Women's Health and Genetics/Laboratory Corporation of America, LabCorp
Classification: Uncertain significance. Last evaluated: 2024-09-30. Review status: criteria provided, single submitter. Criteria: LabCorp Variant Classification Summary - May 2015. Collection method: clinical testing. Allele origin: germline.
Comment: Variant summary: RAI1 c.5195C>A (p.Ala1732Asp) results in a non-conservative amino acid change in the encoded protein sequence. Three of five in-silico tools predict a benign effect of the variant on protein function. The variant was absent in 249932 control chromosomes. The available data on variant occurrences in the general population are insufficient to allow any conclusion about variant significance. To our knowledge, no occurrence of c.5195C>A in individuals affected with Smith-Magenis Syndrome and no experimental evidence demonstrating its impact on protein function have been reported. No submitters have cited clinical-significance assessments for this variant to ClinVar. Based on the evidence outlined above, the variant was classified as uncertain significance.

PreventionGenetics, part of Exact Sciences
Classification: Uncertain significance for RAI1-related condition. Last evaluated: 2024-08-13. Review status: no assertion criteria provided. Collection method: clinical testing. Allele origin: germline. Not counted in ClinVar's aggregate classification.
Comment: The RAI1 c.5195C>A variant is predicted to result in the amino acid substitution p.Ala1732Asp. To our knowledge, this variant has not been reported in the literature or in a large population database, indicating this variant is rare. At this time, the clinical significance of this variant is uncertain due to the absence of conclusive functional and genetic evidence.

NM_030665.4(RAI1):c.5195C>A (p.Ala1732Asp)

Gene: RAI1 (retinoic acid induced 1; plus strand). Cytogenetic location: 17p11.2.
Variant type: single nucleotide variant.
Coding change: c.5195C>A on transcript NM_030665.4 (MANE Select); coding-DNA position 5195, C replaced by A.
Protein change: p.Ala1732Asp; replaces alanine 1732 with aspartic acid.
Molecular consequence: missense variant.
Genome position (GRCh38, 1-based): chr17:17,798,143, C>A. VCF-style: chr17-17798143-C-A. GRCh37 (hg19) VCF-style: chr17-17701457-C-A.
Other names: short protein forms A1732D.
Identifiers: ClinVar variation 3358735 (VCV003358735.3).
Genomic context (GRCh38, chr17:17,798,143, plus strand): 5'-TCCCCAAAAAGAAGCCAAAACTCAAGGAGAAGGTGCGGCCAGAAGGCACCTGTGAGGAGG[C>A]CTCGCTGCCGCTTGAGAGAACACTCAAAGGTCCCGAGTGTGCAGCTGCCGCCACTGCCGG-3'
Protein context (NP_109590.3, residues 1722-1742): KVRPEGTCEE[Ala1732Asp]SLPLERTLKG